The following is an entry in ClinVar:

NM_001354604.2(MITF):c.644A>G (p.His215Arg)

Gene: MITF (melanocyte inducing transcription factor; plus strand). Cytogenetic location: 3p13.
Variant type: single nucleotide variant.
Coding change: c.644A>G on transcript NM_001354604.2 (MANE Select); coding-DNA position 644, A replaced by G.
Protein change: p.His215Arg; replaces histidine 215 with arginine.
Molecular consequence: missense variant.
Genome position (GRCh38, 1-based): chr3:69,939,159, A>G. VCF-style: chr3-69939159-A-G. GRCh37 (hg19) VCF-style: chr3-69988310-A-G.
Other names: c.323A>G, p.His108Arg (NM_000248.4, NM_198158.3); c.488A>G, p.His163Arg (NM_001184967.2, NM_001354608.2); c.641A>G, p.His214Arg (NM_001354605.2, NM_001354606.2, NM_006722.3); c.593A>G, p.His198Arg (NM_001354607.2); c.644A>G, p.His215Arg (NM_198159.3); c.596A>G, p.His199Arg (NM_198177.3); c.155A>G, p.His52Arg (NM_198178.3); short protein forms H108R, H163R, H198R, H199R, H214R, H215R, H52R.
Identifiers: ClinVar variation 3751983 (VCV003751983.3).
Genomic context (GRCh38, chr3:69,939,159, plus strand): 5'-GATTTTATAAGTTTGAAGAGCAAAACAGGGCAGAGAGCGAGTGCCCAGGCATGAACACAC[A>G]TTCACGAGCGTCCTGTATGCAGGTACTGAATGACTTGGCAGCCTGAGGATGAACACTTTG-3'
Protein context (NP_001341533.1, residues 205-225): AESECPGMNT[His215Arg]SRASCMQMDD

ClinVar aggregate classification (germline): Uncertain significance. Review status: criteria provided, multiple submitters, no conflicts (2 of 4 stars). 2 submissions from 2 submitters: Uncertain significance (2). Last evaluated 2025-06-06.

Conditions:
Tietz syndrome (TADS). Also called: HYPOPIGMENTATION/DEAFNESS OF TIETZ; TIETZ ALBINISM-DEAFNESS SYNDROME; ALBINISM-DEAFNESS OF TIETZ. Identifiers: Orphanet 42665, MedGen C0391816, MONDO:0007077, OMIM 103500.
Waardenburg syndrome type 2A (WS2A). Also called: WAARDENBURG SYNDROME WITHOUT DYSTOPIA CANTHORUM. Identifiers: Orphanet 3440, MedGen C1860339, MONDO:0008671, OMIM 193510.
Melanoma, cutaneous malignant, susceptibility to, 8. Also called: MELANOMA AND RENAL CELL CARCINOMA, SUSCEPTIBILITY TO; Cutaneous malignant melanoma 8. Identifiers: Orphanet 293822, MedGen C3152204, MONDO:0013759, OMIM 614456.

Submissions (2):

GeneDx
Classification: Uncertain significance. Last evaluated: 2025-06-06. Review status: criteria provided, single submitter. Criteria: GeneDx Variant Classification Process June 2021. Collection method: clinical testing. Allele origin: germline. Affected: yes.
Comment: Not observed at significant frequency in large population cohorts (gnomAD); In silico analysis suggests that this missense variant does not alter protein structure/function; Has not been previously published as pathogenic or benign to our knowledge

Labcorp Genetics (formerly Invitae), Labcorp
Classification: Uncertain significance for Melanoma, cutaneous malignant, susceptibility to, 8; Waardenburg syndrome type 2A; Tietz syndrome. Last evaluated: 2024-08-27. Review status: criteria provided, single submitter. Criteria: Invitae Variant Classification Sherloc (09022015). Collection method: clinical testing. Allele origin: germline.
Comment: This sequence change replaces histidine, which is basic and polar, with arginine, which is basic and polar, at codon 108 of the MITF protein (p.His108Arg). This variant is not present in population databases (gnomAD no frequency). This variant has not been reported in the literature in individuals affected with MITF-related conditions. An algorithm developed to predict the effect of missense changes on protein structure and function (PolyPhen-2) suggests that this variant is likely to be tolerated. In summary, the available evidence is currently insufficient to determine the role of this variant in disease. Therefore, it has been classified as a Variant of Uncertain Significance.